The following is an entry in ClinVar:

ClinVar aggregate classification (germline): Uncertain significance (1 of 4 stars; one submission).

Conditions:
CUX1-related disorder. Also called: CUX1-related condition.

gnomAD v4.1: 2 of 1,612,208 alleles (0.00012%); highest among the groups gnomAD compares: Non-Finnish European, 0.00017%; no homozygotes.

Submission:

PreventionGenetics, part of Exact Sciences
Classification: Uncertain significance for CUX1-related condition. Last evaluated: 2024-12-29. Review status: criteria provided, single submitter. Criteria: ACMG Guidelines, 2015. Collection method: clinical testing. Allele origin: germline.
Comment: The CUX1 c.3130C>A variant is predicted to result in the amino acid substitution p.Gln1044Lys. To our knowledge, this variant has not been reported in the literature. This variant is reported in 0.00088% of alleles in individuals of European (Non-Finnish) descent in gnomAD. At this time, the clinical significance of this variant is uncertain due to the absence of conclusive functional and genetic evidence.

NM_181552.4(CUX1):c.3097C>A (p.Gln1033Lys)

Gene: CUX1 (cut like homeobox 1; plus strand). Cytogenetic location: 7q22.1.
Variant type: single nucleotide variant.
Coding change: c.3097C>A on transcript NM_181552.4 (MANE Select); coding-DNA position 3097, C replaced by A.
Protein change: p.Gln1033Lys; replaces glutamine 1033 with lysine.
Molecular consequence: missense variant. On other transcripts: intron variant (5).
Genome position (GRCh38, 1-based): chr7:102,205,137, C>A. VCF-style: chr7-102205137-C-A. GRCh37 (hg19) VCF-style: chr7-101848417-C-A.
Other names: c.3130C>A, p.Gln1044Lys (NM_001202543.2); c.1255+9534C>A (NM_001913.5); c.1249+9534C>A (NM_181500.4); c.1117+9534C>A (NM_001202545.3); c.1207+9534C>A (NM_001202544.3); c.1138+9534C>A (NM_001202546.3); short protein forms Q1033K, Q1044K.
Identifiers: ClinVar variation 5001532 (VCV005001532.1).